The following is an entry in ClinVar:

NM_018027.5(FRMD4A):c.2652C>A (p.Arg884=)

Gene: FRMD4A (FERM domain containing 4A; minus strand). Cytogenetic location: 10p13.
Variant type: single nucleotide variant.
Coding change: c.2652C>A on transcript NM_018027.5 (MANE Select); coding-DNA position 2652, C replaced by A.
Protein change: p.Arg884=; no amino-acid change (arginine 884 retained).
Molecular consequence: synonymous variant.
Genome position (GRCh38, 1-based): chr10:13,656,937, G>T on the plus strand (C>A on the coding strand, the complement: FRMD4A is on the minus strand). VCF-style: chr10-13656937-G-T. GRCh37 (hg19) VCF-style: chr10-13698937-G-T.
Other names: c.2700C>A, p.Arg900= (NM_001318336.2); c.2751C>A, p.Arg917= (NM_001318337.2); c.1725C>A, p.Arg575= (NM_001318338.2).
Identifiers: ClinVar variation 4681348 (VCV004681348.5).
Genomic context (GRCh38, chr10:13,656,937, plus strand): 5'-CAGGATCTGCGATCGCGACGGCGTCAGGCGGCCCGTGTCGCCCTCGTCGCCGCCGCCGCC[G>T]CGCCAGCTCTCCTTGAACAGGCCGCCCGCCGTGTAGGAGTTGGACGTCTTGAACTGAGCC-3'
Protein context (NP_060497.3, residues 874-894): TAGGLFKESW[Arg884=]GGGGDEGDTG

ClinVar aggregate classification (germline): Likely benign (1 of 4 stars; one submission).

gnomAD v4.1: 521 of 1,510,480 alleles (0.034%); highest among the groups gnomAD compares: Non-Finnish European, 0.041%; no homozygotes.

Submission:

CeGaT Center for Human Genetics Tuebingen
Classification: Likely benign. Last evaluated: 2025-11-01. Review status: criteria provided, single submitter. Criteria: CeGaT Center For Human Genetics Tuebingen Variant Classification Criteria Version 2. Collection method: clinical testing. Allele origin: germline. Affected: yes. Observed: 1 variant allele.
Comment: FRMD4A: BP4, BP7